The following is an entry in ClinVar:

ClinVar aggregate classification (germline): Likely benign. Review status: criteria provided, multiple submitters, no conflicts (2 of 4 stars). 3 submissions from 3 submitters: Likely benign (2). 1 of the submissions does not count toward it. Last evaluated 2026-01-26.

Conditions:
SLC6A5-related disorder. Also called: SLC6A5-related condition.
Hyperekplexia 3 (HKPX3). Also called: HYPEREKPLEXIA 3, AUTOSOMAL RECESSIVE; HYPEREKPLEXIA 3, AUTOSOMAL DOMINANT. Identifiers: Orphanet 3197, MedGen C3553288, MONDO:0013827, OMIM 614618.

Allele frequency attached by ClinVar (database versions not stated): gnomAD 0.00019; 1000 Genomes Project 0.00020; gnomAD exomes 0.00023 and 0.00054; TOPMed 0.00023; ExAC 0.00024; 1000 Genomes Project 30x 0.00031; ESP Exome Variant Server 0.00046.
gnomAD v4.1: 809 of 1,610,622 alleles (0.05%); highest among the groups gnomAD compares: Non-Finnish European, 0.067%; 2 homozygotes.

Submissions (3):

Labcorp Genetics (formerly Invitae), Labcorp
Classification: Likely benign for Hyperekplexia 3. Last evaluated: 2026-01-26. Review status: criteria provided, single submitter. Criteria: Invitae Variant Classification Sherloc (09022015). Collection method: clinical testing. Allele origin: germline.

Blueprint Genetics
Classification: Likely benign. Last evaluated: 2023-08-03. Review status: criteria provided, single submitter. Criteria: ACMG Guidelines, 2015. Collection method: clinical testing. Allele origin: germline.

PreventionGenetics, part of Exact Sciences
Classification: Likely benign for SLC6A5-related condition. Last evaluated: 2019-11-04. Review status: no assertion criteria provided. Collection method: clinical testing. Allele origin: germline. Not counted in ClinVar's aggregate classification.
Comment: This variant is classified as likely benign based on ACMG/AMP sequence variant interpretation guidelines (Richards et al. 2015 PMID: 25741868, with internal and published modifications).

NM_004211.5(SLC6A5):c.1863C>T (p.Ile621=)

Gene: SLC6A5 (solute carrier family 6 member 5; plus strand). Cytogenetic location: 11p15.1.
Variant type: single nucleotide variant.
Coding change: c.1863C>T on transcript NM_004211.5 (MANE Select); coding-DNA position 1863, C replaced by T.
Protein change: p.Ile621=; no amino-acid change (isoleucine 621 retained).
Molecular consequence: synonymous variant.
Genome position (GRCh38, 1-based): chr11:20,637,297, C>T. VCF-style: chr11-20637297-C-T. GRCh37 (hg19) VCF-style: chr11-20658843-C-T.
Other names: c.1161C>T, p.Ile387= (NM_001318369.2); c.1863C>T (NM_004211.4).
Identifiers: ClinVar variation 304030 (VCV000304030.13), dbSNP rs147344601, ClinGen allele CA5921591.